The following is an entry in ClinVar:

NM_003183.6(ADAM17):c.1645del (p.Thr549fs)

Genes: ADAM17 (ADAM metallopeptidase domain 17; minus strand), IAH1 (isoamyl acetate hydrolyzing esterase 1 (putative); plus strand). Cytogenetic location: 2p25.1.
Variant type: Deletion.
Coding change: c.1645del on transcript NM_003183.6 (MANE Select); coding-DNA position 1645, one base deleted (A; older notation c.1645delA).
Protein change: p.Thr549fs; shifts the reading frame from threonine 549.
Molecular consequence: frameshift variant.
Genome position (GRCh38, 1-based): chr2:9,502,176, T deleted on the plus strand (A on the coding strand, the reverse complement: ADAM17 is on the minus strand). VCF-style (leftmost placement, unchanged base first): chr2-9502175-GT-G. GRCh37 (hg19) VCF-style: chr2-9642304-GT-G.
Other names: short protein forms T549fs.
Identifiers: ClinVar variation 640542 (VCV000640542.6), dbSNP rs1572897958, ClinGen allele CA915943718.

ClinVar aggregate classification (germline): Pathogenic (1 of 4 stars; one submission).

Conditions:
Inflammatory skin and bowel disease, neonatal, 1. Identifiers: Orphanet 294023, MedGen C3280501, MONDO:0013693, OMIM 614328.

Allele frequency attached by ClinVar (database versions not stated): gnomAD exomes below 0.00001.

Submission:

Labcorp Genetics (formerly Invitae), Labcorp
Classification: Pathogenic for Inflammatory skin and bowel disease, neonatal, 1. Last evaluated: 2021-07-21. Review status: criteria provided, single submitter. Criteria: Invitae Variant Classification Sherloc (09022015). Collection method: clinical testing. Allele origin: germline.
Comment: This sequence change creates a premature translational stop signal (p.Thr549Glnfs*76) in the ADAM17 gene. It is expected to result in an absent or disrupted protein product. This variant is not present in population databases (ExAC no frequency). This variant has not been reported in the literature in individuals with ADAM17-related disease. Loss-of-function variants in ADAM17 are known to be pathogenic (PMID: 22010916, 25804906). For these reasons, this variant has been classified as Pathogenic.

Literature cited by the submitters: PubMed 22010916; PubMed 25804906.